The following is an entry in ClinVar:

ClinVar aggregate classification (germline): Uncertain significance. Review status: criteria provided, multiple submitters, no conflicts (2 of 4 stars). 2 submissions from 2 submitters: Uncertain significance (2). Last evaluated 2024-04-25.

Conditions:
Wilson disease (WND). Also called: Wilson's disease. Identifiers: Orphanet 905, MedGen C0019202, MONDO:0010200, OMIM 277900. Disease mechanism: loss of function.

Allele frequency attached by ClinVar (database versions not stated): gnomAD exomes below 0.00001; gnomAD 0.00001; TOPMed 0.00002.
gnomAD v4.1: 8 of 1,614,098 alleles (0.0005%); highest among the groups gnomAD compares: Admixed American, 0.005%; no homozygotes.

Submissions (2):

Fulgent Genetics
Classification: Uncertain significance for Wilson disease. Last evaluated: 2024-04-25. Review status: criteria provided, single submitter. Criteria: ACMG Guidelines, 2015. Collection method: clinical testing. Allele origin: germline.

Labcorp Genetics (formerly Invitae), Labcorp
Classification: Uncertain significance for Wilson disease. Last evaluated: 2022-07-21. Review status: criteria provided, single submitter. Criteria: Invitae Variant Classification Sherloc (09022015). Collection method: clinical testing. Allele origin: germline.
Comment: This sequence change replaces isoleucine, which is neutral and non-polar, with valine, which is neutral and non-polar, at codon 739 of the ATP7B protein (p.Ile739Val). This variant is present in population databases (no rsID available, gnomAD 0.006%). This variant has not been reported in the literature in individuals affected with ATP7B-related conditions. Advanced modeling of protein sequence and biophysical properties (such as structural, functional, and spatial information, amino acid conservation, physicochemical variation, residue mobility, and thermodynamic stability) performed at Invitae indicates that this missense variant is not expected to disrupt ATP7B protein function. In summary, the available evidence is currently insufficient to determine the role of this variant in disease. Therefore, it has been classified as a Variant of Uncertain Significance.

NM_000053.4(ATP7B):c.2215A>G (p.Ile739Val)

Gene: ATP7B (ATPase copper transporting beta; minus strand). Cytogenetic location: 13q14.3.
Variant type: single nucleotide variant.
Coding change: c.2215A>G on transcript NM_000053.4 (MANE Select); coding-DNA position 2215, A replaced by G.
Protein change: p.Ile739Val; replaces isoleucine 739 with valine.
Molecular consequence: missense variant. On other transcripts: intron variant (2).
Genome position (GRCh38, 1-based): chr13:51,958,451, T>C on the plus strand (A>G on the coding strand, the complement: ATP7B is on the minus strand). VCF-style: chr13-51958451-T-C. GRCh37 (hg19) VCF-style: chr13-52532587-T-C.
Other names: c.2215A>G, p.Ile739Val (NM_001406519.1, NM_001406523.1, NM_001406525.1 and 7 more transcripts); c.1963A>G, p.Ile655Val (NM_001406531.1, NM_001406532.1, NM_001406540.1 and 1 more transcripts); c.1786A>G, p.Ile596Val (NM_001406539.1); c.1867A>G, p.Ile623Val (NM_001406543.1); c.1870-844A>G (NM_001005918.3); c.2122-844A>G (NM_001330578.2); c.1882A>G, p.Ile628Val (NM_001243182.2); c.2182A>G, p.Ile728Val (NM_001406514.1); and 1 more; short protein forms I596V, I623V, I628V, I655V, I707V, I728V, I739V.
Identifiers: ClinVar variation 2419971 (VCV002419971.4), dbSNP rs1469592954, ClinGen allele CA388022628.